The following is an entry in ClinVar:

ClinVar aggregate classification (germline): Uncertain significance. Review status: criteria provided, multiple submitters, no conflicts (2 of 4 stars). 3 submissions from 3 submitters: Uncertain significance (2). 1 of the submissions does not count toward it. Last evaluated 2025-08-08.

Conditions:
Inborn genetic diseases. Identifiers: MedGen C0950123, MeSH D030342.
Retinal dystrophy. Also called: Inherited retinal dystrophy. Identifiers: Orphanet 71862, MedGen C0854723, MeSH D058499, MONDO:0019118, HP:0000556.

gnomAD v4.1: 16 of 1,613,898 alleles (0.00099%); highest among the groups gnomAD compares: Non-Finnish European, 0.0014%; no homozygotes.

Submissions (3):

Ambry Genetics
Classification: Uncertain significance for Inborn genetic diseases. Last evaluated: 2025-08-08. Review status: criteria provided, single submitter. Criteria: Ambry Variant Classification Scheme 2023. Collection method: clinical testing. Allele origin: germline.

Labcorp Genetics (formerly Invitae), Labcorp
Classification: Uncertain significance. Last evaluated: 2025-04-13. Review status: criteria provided, single submitter. Criteria: Invitae Variant Classification Sherloc (09022015). Collection method: clinical testing. Allele origin: germline.
Comment: This sequence change replaces proline, which is neutral and non-polar, with alanine, which is neutral and non-polar, at codon 1696 of the VCAN protein (p.Pro1696Ala). This variant is present in population databases (no rsID available, gnomAD 0.002%). This variant has not been reported in the literature in individuals affected with VCAN-related conditions. ClinVar contains an entry for this variant (Variation ID: 3249367). An algorithm developed to predict the effect of missense changes on protein structure and function (PolyPhen-2) suggests that this variant is likely to be tolerated. In summary, the available evidence is currently insufficient to determine the role of this variant in disease. Therefore, it has been classified as a Variant of Uncertain Significance.

Institute of Human Genetics, Univ. Regensburg, Univ. Regensburg
Classification: Uncertain significance for Retinal dystrophy. Last evaluated: 2022-01-01. Review status: no assertion criteria provided. Criteria: ACMG Guidelines, 2015. Collection method: clinical testing. Allele origin: germline. Affected: yes. Not counted in ClinVar's aggregate classification.

NM_004385.5(VCAN):c.5086C>G (p.Pro1696Ala)

Genes: VCAN (versican; plus strand), VCAN-AS1 (VCAN antisense RNA 1; minus strand). Cytogenetic location: 5q14.3.
Variant type: single nucleotide variant.
Coding change: c.5086C>G on transcript NM_004385.5 (MANE Select); coding-DNA position 5086, C replaced by G.
Protein change: p.Pro1696Ala; replaces proline 1696 with alanine.
Molecular consequence: missense variant. On other transcripts: intron variant (2).
Genome position (GRCh38, 1-based): chr5:83,538,089, C>G. VCF-style: chr5-83538089-C-G. GRCh37 (hg19) VCF-style: chr5-82833908-C-G.
Other names: c.5086C>G (NM_004385.4); c.2125C>G, p.Pro709Ala (NM_001164097.2); c.4004-7448C>G (NM_001164098.2); c.1043-7448C>G (NM_001126336.3); short protein forms P1696A, P709A.
Identifiers: ClinVar variation 3249367 (VCV003249367.3).
Genomic context (GRCh38, chr5:83,538,089, plus strand): 5'-ATAATCACAGAAAGCTTTTTTGAGGTTCCTGCAACCACCATTTATCCAGTTTCTGAACAA[C>G]CTTCTGCAAAAGTGGTGCCTACCAAGTTTGTAAGTGAAACAGACACTTCTGAGTGGATTT-3'
Protein context (NP_004376.2, residues 1686-1706): ATTIYPVSEQ[Pro1696Ala]SAKVVPTKFV